The following is an entry in ClinVar:

NM_000260.4(MYO7A):c.1237A>T (p.Lys413Ter)

Gene: MYO7A (myosin VIIA; plus strand). Cytogenetic location: 11q13.5.
Variant type: single nucleotide variant.
Coding change: c.1237A>T on transcript NM_000260.4 (MANE Select); coding-DNA position 1237, A replaced by T.
Protein change: p.Lys413Ter; replaces lysine 413 with a stop codon.
Molecular consequence: nonsense.
Genome position (GRCh38, 1-based): chr11:77,161,009, A>T. VCF-style: chr11-77161009-A-T. GRCh37 (hg19) VCF-style: chr11-76872055-A-T.
Other names: c.1237A>T, p.Lys413Ter (NM_001127180.2); c.1204A>T, p.Lys402Ter (NM_001369365.1); short protein forms K402*, K413*.
Identifiers: ClinVar variation 1724402 (VCV001724402.2), dbSNP rs2496844332, ClinGen allele CA381934920.

ClinVar aggregate classification (germline): Likely pathogenic (1 of 4 stars; one submission).

Conditions:
Usher syndrome type 1 (USH1). Also called: RETINITIS PIGMENTOSA AND CONGENITAL DEAFNESS. Identifiers: Orphanet 231169, Orphanet 886, MedGen C1568247, MONDO:0010168, OMIM 276900.

Submission:

Myriad Genetics, Inc.
Classification: Likely pathogenic for Usher syndrome type 1. Last evaluated: 2022-02-12. Review status: criteria provided, single submitter. Criteria: Myriad Women's Health Autosomal Recessive and X-Linked Classification Criteria (2021). Collection method: clinical testing. Allele origin: unknown.
Comment: NM_000260.3(MYO7A):c.1237A>T(K413*) is expected to be pathogenic in the context of MYO7A-related disorders. This variant is predicted to lead to an abnormal or absent protein product due to the creation of a premature termination codon in MYO7A, a gene where loss-of-function variants are known to be pathogenic. Please note: this variant was assessed in the context of healthy population screening.